The following is an entry in ClinVar:

NM_002085.5(GPX4):c.85-429C>T

Genes: GPX4 (glutathione peroxidase 4; plus strand), LOC130062887 (ATAC-STARR-seq lymphoblastoid silent region 9665; plus strand). Cytogenetic location: 19p13.3.
Variant type: single nucleotide variant.
Coding change: c.85-429C>T on transcript NM_002085.5 (MANE Select); 429 bases into the intron before coding-DNA position 85, C replaced by T.
Molecular consequence: intron variant. On other transcripts: missense variant (1).
Genome position (GRCh38, 1-based): chr19:1,104,757, C>T. VCF-style: chr19-1104757-C-T. GRCh37 (hg19) VCF-style: chr19-1104756-C-T.
Other names: c.23C>T, p.Ser8Phe (NM_001039848.4); c.85-429C>T (NM_001039847.3); c.4-429C>T (NM_001367832.1); c.23C>T (NM_001039848.1); short protein forms S8F.
Identifiers: ClinVar variation 1939835 (VCV001939835.6), dbSNP rs919060538, ClinGen allele CA303993025.

ClinVar aggregate classification (germline): Uncertain significance. Review status: criteria provided, multiple submitters, no conflicts (2 of 4 stars). 2 submissions from 2 submitters: Uncertain significance (2). Last evaluated 2025-12-10.

Conditions:
Inborn genetic diseases. Identifiers: MedGen C0950123, MeSH D030342.

Allele frequency attached by ClinVar (database versions not stated): gnomAD 0.00001; TOPMed 0.00003.

Submissions (2):

Ambry Genetics
Classification: Uncertain significance for Inborn genetic diseases. Last evaluated: 2025-12-10. Review status: criteria provided, single submitter. Criteria: Ambry Variant Classification Scheme 2023. Collection method: clinical testing. Allele origin: germline.

Labcorp Genetics (formerly Invitae), Labcorp
Classification: Uncertain significance. Last evaluated: 2024-12-09. Review status: criteria provided, single submitter. Criteria: Invitae Variant Classification Sherloc (09022015). Collection method: clinical testing. Allele origin: germline.
Comment: This sequence change replaces serine, which is neutral and polar, with phenylalanine, which is neutral and non-polar, at codon 8 of the GPX4 protein (p.Ser8Phe). This variant is not present in population databases (gnomAD no frequency). This variant has not been reported in the literature in individuals affected with GPX4-related conditions. ClinVar contains an entry for this variant (Variation ID: 1939835). Experimental studies and prediction algorithms are not available or were not evaluated, and the functional significance of this variant is currently unknown. In summary, the available evidence is currently insufficient to determine the role of this variant in disease. Therefore, it has been classified as a Variant of Uncertain Significance.